The following is an entry in ClinVar:

ClinVar aggregate classification (germline): Uncertain significance (1 of 4 stars; one submission).

Submission:

CeGaT Center for Human Genetics Tuebingen
Classification: Uncertain significance. Last evaluated: 2023-09-01. Review status: criteria provided, single submitter. Criteria: CeGaT Center For Human Genetics Tuebingen Variant Classification Criteria Version 2. Collection method: clinical testing. Allele origin: germline. Affected: yes. Observed: 1 variant allele.
Comment: IL1RAPL1: PM2, PM3:Supporting

NM_014271.4(IL1RAPL1):c.1275A>T (p.Glu425Asp)

Gene: IL1RAPL1 (interleukin 1 receptor accessory protein like 1; plus strand). Cytogenetic location: Xp21.2.
Variant type: single nucleotide variant.
Coding change: c.1275A>T on transcript NM_014271.4 (MANE Select); coding-DNA position 1275, A replaced by T.
Protein change: p.Glu425Asp; replaces glutamic acid 425 with aspartic acid.
Molecular consequence: missense variant.
Genome position (GRCh38, 1-based): chrX:29,954,595, A>T. VCF-style: chrX-29954595-A-T. GRCh37 (hg19) VCF-style: chrX-29972712-A-T.
Other names: short protein forms E425D.
Identifiers: ClinVar variation 2660222 (VCV002660222.24), dbSNP rs752057311, ClinGen allele CA412633847.